The following is an entry in ClinVar:

ClinVar aggregate classification (germline): Uncertain significance. Review status: criteria provided, multiple submitters, no conflicts (2 of 4 stars). 3 submissions from 3 submitters: Uncertain significance (2). 1 of the submissions does not count toward it. Last evaluated 2024-06-17.

Conditions:
Glycogen storage disease type III (GSD3). Also called: FORBES DISEASE; Cori disease. Identifiers: Orphanet 366, MedGen C0017922, MONDO:0009291, OMIM 232400.
Inborn genetic diseases. Identifiers: MedGen C0950123, MeSH D030342.

Allele frequency attached by ClinVar (database versions not stated): TOPMed 0.00008.
gnomAD v4.1: 32 of 1,613,832 alleles (0.002%); highest among the groups gnomAD compares: Admixed American, 0.047%; no homozygotes.

Submissions (3):

Ambry Genetics
Classification: Uncertain significance for Inborn genetic diseases. Last evaluated: 2024-06-17. Review status: criteria provided, single submitter. Criteria: Ambry Variant Classification Scheme 2023. Collection method: clinical testing. Allele origin: germline.

Labcorp Genetics (formerly Invitae), Labcorp
Classification: Uncertain significance for Glycogen storage disease type III. Last evaluated: 2022-07-26. Review status: criteria provided, single submitter. Criteria: Invitae Variant Classification Sherloc (09022015). Collection method: clinical testing. Allele origin: germline.
Comment: This sequence change replaces valine, which is neutral and non-polar, with leucine, which is neutral and non-polar, at codon 46 of the AGL protein (p.Val46Leu). This variant is present in population databases (rs762935611, gnomAD 0.07%). This variant has not been reported in the literature in individuals affected with AGL-related conditions. ClinVar contains an entry for this variant (Variation ID: 848952). Algorithms developed to predict the effect of missense changes on protein structure and function output the following: SIFT: "Tolerated"; PolyPhen-2: "Benign"; Align-GVGD: "Class C0". The leucine amino acid residue is found in multiple mammalian species, which suggests that this missense change does not adversely affect protein function. In summary, the available evidence is currently insufficient to determine the role of this variant in disease. Therefore, it has been classified as a Variant of Uncertain Significance.

Natera, Inc.
Classification: Uncertain significance for Glycogen storage disease type III. Last evaluated: 2020-01-17. Review status: no assertion criteria provided. Collection method: clinical testing. Allele origin: germline. Not counted in ClinVar's aggregate classification.

NM_000642.3(AGL):c.136G>T (p.Val46Leu)

Gene: AGL (amylo-alpha-1,6-glucosidase and 4-alpha-glucanotransferase; plus strand). Cytogenetic location: 1p21.2.
Variant type: single nucleotide variant.
Coding change: c.136G>T on transcript NM_000642.3 (MANE Select); coding-DNA position 136, G replaced by T.
Protein change: p.Val46Leu; replaces valine 46 with leucine.
Molecular consequence: missense variant.
Genome position (GRCh38, 1-based): chr1:99,861,556, G>T. VCF-style: chr1-99861556-G-T. GRCh37 (hg19) VCF-style: chr1-100327112-G-T.
Other names: c.136G>T, p.Val46Leu (NM_000028.3, NM_000643.3, NM_000644.3 and 5 more transcripts); c.88G>T, p.Val30Leu (NM_000646.3); short protein forms V46L, V30L.
Identifiers: ClinVar variation 848952 (VCV000848952.5), dbSNP rs762935611, ClinGen allele CA966071.
Genomic context (GRCh38, chr1:99,861,556, plus strand): 5'-TATTTAGGGTATGAGCTACAGTTCCGATTAGGCCCAACTTTACAGGGAAAAGCAGTTACC[G>T]TGTATACAAATTACCCATTTCCTGGAGAAACATTTAATAGAGAAAAATTCCGTTCTCTGG-3'
Protein context (NP_000633.2, residues 36-56): GPTLQGKAVT[Val46Leu]YTNYPFPGET